The following is an entry in ClinVar:

ClinVar aggregate classification (germline): Uncertain significance. Review status: criteria provided, multiple submitters, no conflicts (2 of 4 stars). 2 submissions from 2 submitters: Uncertain significance (2). Last evaluated 2025-05-07.

Submissions (2):

Ambry Genetics
Classification: Uncertain significance. Last evaluated: 2025-05-07. Review status: criteria provided, single submitter. Criteria: Ambry Variant Classification Scheme 2023. Collection method: clinical testing. Allele origin: germline.

Labcorp Genetics (formerly Invitae), Labcorp
Classification: Uncertain significance. Last evaluated: 2024-04-02. Review status: criteria provided, single submitter. Criteria: Invitae Variant Classification Sherloc (09022015). Collection method: clinical testing. Allele origin: germline.
Comment: This sequence change replaces alanine, which is neutral and non-polar, with threonine, which is neutral and polar, at codon 356 of the MICAL1 protein (p.Ala356Thr). This variant is not present in population databases (gnomAD no frequency). This variant has not been reported in the literature in individuals affected with MICAL1-related conditions. An algorithm developed to predict the effect of missense changes on protein structure and function (PolyPhen-2) suggests that this variant is likely to be disruptive. In summary, the available evidence is currently insufficient to determine the role of this variant in disease. Therefore, it has been classified as a Variant of Uncertain Significance.

NM_022765.4(MICAL1):c.1009G>A (p.Ala337Thr)

Gene: MICAL1 (microtubule associated monooxygenase, calponin and LIM domain containing 1; minus strand). Cytogenetic location: 6q21.
Variant type: single nucleotide variant.
Coding change: c.1009G>A on transcript NM_022765.4 (MANE Select); coding-DNA position 1009, G replaced by A.
Protein change: p.Ala337Thr; replaces alanine 337 with threonine.
Molecular consequence: missense variant. On other transcripts: intron variant (1).
Genome position (GRCh38, 1-based): chr6:109,450,482, C>T on the plus strand (G>A on the coding strand, the complement: MICAL1 is on the minus strand). VCF-style: chr6-109450482-C-T. GRCh37 (hg19) VCF-style: chr6-109771685-C-T.
Other names: c.1009G>A (NM_022765.3); c.1066G>A, p.Ala356Thr (NM_001286613.2); c.934-397G>A (NM_001159291.2); short protein forms A337T, A356T.
Identifiers: ClinVar variation 3678595 (VCV003678595.3).